The following is an entry in ClinVar:

NM_000179.3(MSH6):c.3556+3_3556+6dup

Gene: MSH6 (mutS homolog 6; plus strand). Cytogenetic location: 2p16.3.
Variant type: Duplication.
Coding change: c.3556+3_3556+6dup on transcript NM_000179.3 (MANE Select); bases 3 to 6 of the intron after coding-DNA position 3556, 4 bases duplicated (GAGT; older notation c.3556+3_3556+6dupGAGT).
Molecular consequence: splice donor variant.
Genome position (GRCh38, 1-based): chr2:47,805,030-47,805,033, GAGT duplicated; duplicating any 4 consecutive bases within chr2:47,805,028-47,805,033 gives the same sequence; the c. name uses the placement nearest the transcript's 3' end. VCF-style (leftmost placement, unchanged base first): chr2-47805027-G-GGTGA. GRCh37 (hg19) VCF-style: chr2-48032166-G-GGTGA.
Other names: c.2650+3_2650+6dup (NM_001281493.2, NM_001281494.2); c.3166+3_3166+6dup (NM_001281492.2).
Identifiers: ClinVar variation 823922 (VCV000823922.14), dbSNP rs1572739077, ClinGen allele CA915943958.

ClinVar aggregate classification (germline): Conflicting classifications of pathogenicity. Review status: criteria provided, conflicting classifications (1 of 4 stars). 3 submissions from 3 submitters: Uncertain significance (1); Likely benign (2). Last evaluated 2025-09-22.

Conditions:
Hereditary cancer-predisposing syndrome. Also called: Neoplastic Syndromes, Hereditary; Tumor predisposition; Hereditary neoplastic syndrome; Hereditary Cancer Syndrome. Identifiers: Orphanet 140162, MedGen C0027672, MeSH D009386, MONDO:0015356.
Hereditary nonpolyposis colorectal neoplasms. Identifiers: MedGen C0009405, MeSH D003123.

Submissions (3):

Labcorp Genetics (formerly Invitae), Labcorp
Classification: Likely benign for Hereditary nonpolyposis colorectal neoplasms. Last evaluated: 2025-09-22. Review status: criteria provided, single submitter. Criteria: Invitae Variant Classification Sherloc (09022015). Collection method: clinical testing. Allele origin: germline.

Color Diagnostics, LLC DBA Color Health
Classification: Uncertain significance for Hereditary cancer-predisposing syndrome. Last evaluated: 2024-01-17. Review status: criteria provided, single submitter. Criteria: ACMG Guidelines, 2015. Collection method: clinical testing. Allele origin: germline.
Comment: This variant inserts 4 nucleotides at the +3 to +6 position of intron 6 of the MSH6 gene. Splice site prediction tools suggest that this variant may not impact RNA splicing. To our knowledge, this variant has not been reported in individuals affected with MSH6-related disorders in the literature. This variant has not been identified in the general population by the Genome Aggregation Database (gnomAD). Loss of MSH6 function is a known mechanism of disease. The available evidence is insufficient to determine the role of this variant in disease conclusively. Therefore, this variant is classified as a Variant of Uncertain Significance.

Ambry Genetics
Classification: Likely benign for Hereditary cancer-predisposing syndrome. Last evaluated: 2020-01-09. Review status: criteria provided, single submitter. Criteria: Ambry Variant Classification Scheme 2023. Collection method: clinical testing. Allele origin: germline.

Literature cited by the submitters: PubMed 28975465 (cited by Ambry Genetics).